The following is an entry in ClinVar:

NM_000179.3(MSH6):c.1253C>A (p.Ser418Tyr)

Gene: MSH6 (mutS homolog 6; plus strand). Cytogenetic location: 2p16.3.
Variant type: single nucleotide variant.
Coding change: c.1253C>A on transcript NM_000179.3 (MANE Select); coding-DNA position 1253, C replaced by A.
Protein change: p.Ser418Tyr; replaces serine 418 with tyrosine.
Molecular consequence: missense variant.
Genome position (GRCh38, 1-based): chr2:47,799,236, C>A. VCF-style: chr2-47799236-C-A. GRCh37 (hg19) VCF-style: chr2-48026375-C-A.
Other names: c.1259C>A, p.Ser420Tyr (NM_001406813.1); c.347C>A, p.Ser116Tyr (NM_001406814.1, NM_001406815.1, NM_001406816.1 and 6 more transcripts); c.1253C>A, p.Ser418Tyr (NM_001406817.1, NM_001406796.1, NM_001406798.1 and 4 more transcripts); c.956C>A, p.Ser319Tyr (NM_001406818.1, NM_001406819.1, NM_001406820.1 and 10 more transcripts); c.1085C>A, p.Ser362Tyr (NM_001406826.1); c.863C>A, p.Ser288Tyr (NM_001281492.2); c.1349C>A, p.Ser450Tyr (NM_001406795.1, NM_001406802.1); c.728C>A, p.Ser243Tyr (NM_001406799.1, NM_001406806.1, NM_001406807.1); and 1 more; short protein forms S288Y, S116Y, S319Y, S420Y, S362Y, S243Y, S392Y, S418Y.
Identifiers: ClinVar variation 1761234 (VCV001761234.2), dbSNP rs2104331392, ClinGen allele CA346743858.
Genomic context (GRCh38, chr2:47,799,236, plus strand): 5'-TGCCTGAGGATTTCCTCAATTCTTGTACTCCTGGGATGAGGAAGTGGTGGCAGATTAAGT[C>A]TCAGAACTTTGATCTTGTCATCTGTTACAAGGTGGGGAAATTTTATGAGCTGTACCACAT-3'
Protein context (NP_000170.1, residues 408-428): PGMRKWWQIK[Ser418Tyr]QNFDLVICYK

ClinVar aggregate classification (germline): Uncertain significance (1 of 4 stars; one submission).

Conditions:
Hereditary cancer-predisposing syndrome. Also called: Neoplastic Syndromes, Hereditary; Tumor predisposition; Hereditary Cancer Syndrome; Hereditary neoplastic syndrome. Identifiers: Orphanet 140162, MedGen C0027672, MeSH D009386, MONDO:0015356.

Submission:

Ambry Genetics
Classification: Uncertain significance for Hereditary cancer-predisposing syndrome. Last evaluated: 2021-03-04. Review status: criteria provided, single submitter. Criteria: Ambry Variant Classification Scheme 2023. Collection method: clinical testing. Allele origin: germline.
Comment: The p.S418Y variant (also known as c.1253C>A), located in coding exon 4 of the MSH6 gene, results from a C to A substitution at nucleotide position 1253. The serine at codon 418 is replaced by tyrosine, an amino acid with dissimilar properties. This amino acid position is well conserved in available vertebrate species. In addition, this alteration is predicted to be deleterious by in silico analysis. Since supporting evidence is limited at this time, the clinical significance of this alteration remains unclear.